The following is an entry in ClinVar:

NM_021625.5(TRPV4):c.569C>T (p.Thr190Met)

Gene: TRPV4 (transient receptor potential cation channel subfamily V member 4; minus strand). Cytogenetic location: 12q24.11.
Variant type: single nucleotide variant.
Coding change: c.569C>T on transcript NM_021625.5 (MANE Select); coding-DNA position 569, C replaced by T.
Protein change: p.Thr190Met; replaces threonine 190 with methionine.
Molecular consequence: missense variant.
Genome position (GRCh38, 1-based): chr12:109,803,134, G>A on the plus strand (C>T on the coding strand, the complement: TRPV4 is on the minus strand). VCF-style: chr12-109803134-G-A. GRCh37 (hg19) VCF-style: chr12-110240939-G-A.
Other names: c.569C>T, p.Thr190Met (NM_001177428.2, NM_001177433.2, NM_147204.3); c.467C>T, p.Thr156Met (NM_001177431.2); short protein forms T190M, T156M.
Identifiers: ClinVar variation 424209 (VCV000424209.4), dbSNP rs1031096826, ClinGen allele CA16619428.
Genomic context (GRCh38, chr12:109,803,134, plus strand): 5'-ATGGTGTCGTTGCGGCCATTGCTCAGGTTCAGCAAGGCCTTGGGCAGGCAGGTCTTCCCC[G>A]TAGATGGCTCTAGCAAGAGAGACACACAAGATGACGCAGTGCTCCAGCCCATGACCTTGA-3'
Protein context (NP_067638.3, residues 180-200): LTDEEFREPS[Thr190Met]GKTCLPKALL

ClinVar aggregate classification (germline): Uncertain significance. Review status: criteria provided, multiple submitters, no conflicts (2 of 4 stars). 3 submissions from 3 submitters: Uncertain significance (3). Last evaluated 2026-07-27.

Conditions:
Sodium serum level quantitative trait locus 1 (SSQTL1). Identifiers: MedGen C3150755, OMIM 613508.
Neuronopathy, distal hereditary motor, autosomal dominant 8. Also called: NEURONOPATHY, DISTAL HEREDITARY MOTOR, TYPE VIII; NEUROPATHY, DISTAL HEREDITARY MOTOR, TYPE VIII; SPINAL MUSCULAR ATROPHY, CONGENITAL BENIGN, WITH CONTRACTURES; Autosomal dominant congenital benign spinal muscular atrophy. Identifiers: Orphanet 1216, MedGen C1838492, MONDO:0010839, OMIM 600175.
Brachyrachia (short spine dysplasia) (BCYM3). Also called: Brachyolmia Type 3; BRACHYRACHIA; Brachyolmia, TRPV4-Related; Autosomal dominant brachyolmia. Identifiers: Orphanet 93304, MedGen C0432227, MONDO:0007232, OMIM 113500.
Parastremmatic dwarfism. Identifiers: Orphanet 2646, MedGen C1868616, MONDO:0008196, OMIM 168400.
Charcot-Marie-Tooth disease axonal type 2C (HMSN2C). Also called: CHARCOT-MARIE-TOOTH DISEASE, AXONAL, AUTOSOMAL DOMINANT, TYPE 2C; Charcot-Marie-Tooth Neuropathy Type 2C; Charcot-Marie-Tooth Disease Type 2, TRPV4-Related (CMT2C). Identifiers: Orphanet 99937, MedGen C1853710, MONDO:0011633, OMIM 606071.
Spondylometaphyseal dysplasia, Kozlowski type (SMDK). Also called: Dysmorphism arthrogryposis skeletal maturation advanced; Jequier-Kozlowski syndrome; Skeletal dysplasia Jequier-Kozlowski type; SMD Kozlowski type; Spondylometaphyseal Dysplasia, TRPV4-Related (Kozlowski Type). Identifiers: Orphanet 93314, MedGen C0265280, MONDO:0008477, OMIM 184252.
Familial digital arthropathy-brachydactyly. Identifiers: Orphanet 85169, MedGen C1847406, MONDO:0011732, OMIM 606835.
Avascular necrosis of femoral head, primary, 2 (ANFH2). Identifiers: MedGen C4479260, MONDO:0054551, OMIM 617383.
Scapuloperoneal spinal muscular atrophy (SPSMA). Also called: AMYOTROPHY, NEUROGENIC SCAPULOPERONEAL, NEW ENGLAND TYPE; Scapuloperoneal Spinal Muscular Atrophy, TRPV4-Related; Scapuloperoneal spinal muscular atrophy, autosomal dominant; Scapuloperoneal Form of Spinal Muscular Atrophy. Identifiers: Orphanet 431255, MedGen C0751335, MONDO:0008408, OMIM 181405.
Spondyloepimetaphyseal dysplasia, Maroteaux type (SEDM). Also called: SED, MAROTEAUX TYPE; PSEUDO-MORQUIO SYNDROME, TYPE 2; Spondyloepimetaphyseal Dysplasia, TRPV4-Related (Maroteaux Type). Identifiers: Orphanet 263482, MedGen C3159322, MONDO:0008473, OMIM 184095.
Metatropic dysplasia (MTD). Also called: Metatropic Dysplasia, TRPV4-Related; Metatropic dysplasia, nonlethal dominant; METATROPIC DWARFISM. Identifiers: Orphanet 2635, MedGen C0265281, MONDO:0007986, OMIM 156530.
TRPV4-related disorder. Also called: TRPV4-related disorders; TRPV4-related condition.

Allele frequency attached by ClinVar (database versions not stated): TOPMed below 0.00001.
gnomAD v4.1: 7 of 1,613,982 alleles (0.00043%); highest among the groups gnomAD compares: South Asian, 0.0011%; no homozygotes.

Submissions (3):

PreventionGenetics, part of Exact Sciences
Classification: Uncertain significance for TRPV4-related condition. Last evaluated: 2026-07-27. Review status: criteria provided, single submitter. Criteria: ACMG Guidelines, 2015. Collection method: clinical testing. Allele origin: germline.
Comment: The TRPV4 c.569C>T variant is predicted to result in the amino acid substitution p.Thr190Met. To our knowledge, this variant has not been reported in the literature or in a large population database (gnomAD), indicating this variant is rare. At this time, the clinical significance of this variant is uncertain due to the absence of conclusive functional and genetic evidence.

Fulgent Genetics
Classification: Uncertain significance for Brachyrachia (short spine dysplasia); Metatropic dysplasia; Parastremmatic dwarfism; Scapuloperoneal spinal muscular atrophy; Spondyloepimetaphyseal dysplasia, Maroteaux type; Spondylometaphyseal dysplasia, Kozlowski type; Neuronopathy, distal hereditary motor, autosomal dominant 8; Charcot-Marie-Tooth disease axonal type 2C; Familial digital arthropathy-brachydactyly; Sodium serum level quantitative trait locus 1; Avascular necrosis of femoral head, primary, 2. Last evaluated: 2018-10-31. Review status: criteria provided, single submitter. Criteria: ACMG Guidelines, 2015. Collection method: clinical testing. Allele origin: unknown.

GeneDx
Classification: Uncertain significance. Last evaluated: 2017-03-22. Review status: criteria provided, single submitter. Criteria: GeneDx Variant Classification (06012015). Collection method: clinical testing. Allele origin: germline. Affected: yes.
Comment: The T190M variant in the TRPV4 gene has not been reported previously as a pathogenic variant, nor as a benign variant, to our knowledge. The T190M variant is not observed in large population cohorts (Lek et al., 2016; 1000 Genomes Consortium et al., 2015; Exome Variant Server). The T190M variant is a non-conservative amino acid substitution, which is likely to impact secondary protein structure as these residues differ in polarity, charge, size and/or other properties. This substitution occurs at a position that is conserved across species. In silico analysis predicts this variant is probably damaging to the protein structure/function. We interpret T190M as a variant of uncertain significance.